The following is an entry in ClinVar:

NM_001458.5(FLNC):c.5029A>C (p.Lys1677Gln)

Gene: FLNC (filamin C; plus strand). Cytogenetic location: 7q32.1.
Variant type: single nucleotide variant.
Coding change: c.5029A>C on transcript NM_001458.5 (MANE Select); coding-DNA position 5029, A replaced by C.
Protein change: p.Lys1677Gln; replaces lysine 1677 with glutamine.
Molecular consequence: missense variant.
Genome position (GRCh38, 1-based): chr7:128,849,408, A>C. VCF-style: chr7-128849408-A-C. GRCh37 (hg19) VCF-style: chr7-128489462-A-C.
Other names: c.5029A>C, p.Lys1677Gln (NM_001127487.2); short protein forms K1677Q.
Identifiers: ClinVar variation 472085 (VCV000472085.9), dbSNP rs1554400214, ClinGen allele CA369204024.

ClinVar aggregate classification (germline): Uncertain significance (1 of 4 stars; one submission).

Conditions:
Distal myopathy with posterior leg and anterior hand involvement. Also called: WILLIAMS DISTAL MYOPATHY. Identifiers: Orphanet 63273, MedGen C3279722, MONDO:0013550, OMIM 614065.
Myofibrillar myopathy 5. Also called: Filaminopathy (type); FILAMINOPATHY, AUTOSOMAL DOMINANT. Identifiers: Orphanet 171445, MedGen C1836050, MONDO:0012289, OMIM 609524.
Hypertrophic cardiomyopathy 26. Also called: Cardiomyopathy, familial hypertrophic, 26. Identifiers: Orphanet 75249, MedGen C4310749, MONDO:0014883, OMIM 617047.

Submission:

Labcorp Genetics (formerly Invitae), Labcorp
Classification: Uncertain significance for Distal myopathy with posterior leg and anterior hand involvement; Myofibrillar myopathy 5; Hypertrophic cardiomyopathy 26. Last evaluated: 2022-02-05. Review status: criteria provided, single submitter. Criteria: Invitae Variant Classification Sherloc (09022015). Collection method: clinical testing. Allele origin: germline.
Comment: This missense change has been observed in individual(s) with clinical features of FLNC-related conditions (Invitae). In summary, the available evidence is currently insufficient to determine the role of this variant in disease. Therefore, it has been classified as a Variant of Uncertain Significance. Algorithms developed to predict the effect of missense changes on protein structure and function are either unavailable or do not agree on the potential impact of this missense change (SIFT: "Deleterious"; PolyPhen-2: "Probably Damaging"; Align-GVGD: "Class C0"). ClinVar contains an entry for this variant (Variation ID: 472085). This variant is not present in population databases (gnomAD no frequency). This sequence change replaces lysine, which is basic and polar, with glutamine, which is neutral and polar, at codon 1677 of the FLNC protein (p.Lys1677Gln).